The following is an entry in ClinVar:

NM_001369.3(DNAH5):c.8170T>A (p.Phe2724Ile)

Gene: DNAH5 (dynein axonemal heavy chain 5; minus strand). Cytogenetic location: 5p15.2.
Variant type: single nucleotide variant.
Coding change: c.8170T>A on transcript NM_001369.3 (MANE Select); coding-DNA position 8170, T replaced by A.
Protein change: p.Phe2724Ile; replaces phenylalanine 2724 with isoleucine.
Molecular consequence: missense variant.
Genome position (GRCh38, 1-based): chr5:13,793,569, A>T on the plus strand (T>A on the coding strand, the complement: DNAH5 is on the minus strand). VCF-style: chr5-13793569-A-T. GRCh37 (hg19) VCF-style: chr5-13793678-A-T.
Other names: short protein forms F2724I.
Identifiers: ClinVar variation 567024 (VCV000567024.12), dbSNP rs753702337, ClinGen allele CA3202883.
Genomic context (GRCh38, chr5:13,793,569, plus strand): 5'-CTTTACCAAAGATCTTGTCCACAGAAGCTTCAGAGGGCAACGTGCAATTAAATATAGAGA[A>T]CTGCCTCTTGAGTCTTTGGGGTATGTCATTGCGTCCACCACCAGGATGGATCATGGCTGC-3'
Protein context (NP_001360.1, residues 2714-2734): NDIPQRLKRQ[Phe2724Ile]SIFNCTLPSE

ClinVar aggregate classification (germline): Uncertain significance. Review status: criteria provided, multiple submitters, no conflicts (2 of 4 stars). 4 submissions from 4 submitters: Uncertain significance (2). 2 of the submissions do not count toward it. Last evaluated 2024-03-08.

Conditions:
DNAH5-related disorder. Also called: DNAH5-related condition.
Primary ciliary dyskinesia. Also called: Ciliary dyskinesia. Identifiers: Orphanet 244, MedGen C0008780, MONDO:0016575, HP:0012265.

Allele frequency attached by ClinVar (database versions not stated): TOPMed below 0.00001.
gnomAD v4.1: 3 of 1,613,648 alleles (0.00019%); highest among the groups gnomAD compares: Admixed American, 0.005%; no homozygotes.

Submissions (4):

GeneDx
Classification: Uncertain significance. Last evaluated: 2024-03-08. Review status: criteria provided, single submitter. Criteria: GeneDx Variant Classification Process June 2021. Collection method: clinical testing. Allele origin: germline. Affected: yes.
Comment: In silico analysis supports that this missense variant has a deleterious effect on protein structure/function; Has not been previously published as pathogenic or benign to our knowledge

Labcorp Genetics (formerly Invitae), Labcorp
Classification: Uncertain significance for Primary ciliary dyskinesia. Last evaluated: 2022-07-05. Review status: criteria provided, single submitter. Criteria: Invitae Variant Classification Sherloc (09022015). Collection method: clinical testing. Allele origin: germline.
Comment: This sequence change replaces phenylalanine, which is neutral and non-polar, with isoleucine, which is neutral and non-polar, at codon 2724 of the DNAH5 protein (p.Phe2724Ile). This variant is present in population databases (rs753702337, gnomAD 0.009%). This variant has not been reported in the literature in individuals affected with DNAH5-related conditions. ClinVar contains an entry for this variant (Variation ID: 567024). Advanced modeling of protein sequence and biophysical properties (such as structural, functional, and spatial information, amino acid conservation, physicochemical variation, residue mobility, and thermodynamic stability) performed at Invitae indicates that this missense variant is expected to disrupt DNAH5 protein function. In summary, the available evidence is currently insufficient to determine the role of this variant in disease. Therefore, it has been classified as a Variant of Uncertain Significance.

PreventionGenetics, part of Exact Sciences
Classification: Uncertain significance for DNAH5-related condition. Last evaluated: 2024-05-02. Review status: no assertion criteria provided. Collection method: clinical testing. Allele origin: germline. Not counted in ClinVar's aggregate classification.
Comment: The DNAH5 c.8170T>A variant is predicted to result in the amino acid substitution p.Phe2724Ile. To our knowledge, this variant has not been reported in the literature. This variant is reported in 0.0087% of alleles in individuals of Latino descent in gnomAD. At this time, the clinical significance of this variant is uncertain due to the absence of conclusive functional and genetic evidence.

Natera, Inc.
Classification: Uncertain significance for Primary ciliary dyskinesia. Last evaluated: 2019-11-11. Review status: no assertion criteria provided. Collection method: clinical testing. Allele origin: germline. Not counted in ClinVar's aggregate classification.